The following is an entry in ClinVar:

NM_001163809.2(WDR81):c.1991A>C (p.Glu664Ala)

Gene: WDR81 (WD repeat domain 81; plus strand). Cytogenetic location: 17p13.3.
Variant type: single nucleotide variant.
Coding change: c.1991A>C on transcript NM_001163809.2 (MANE Select); coding-DNA position 1991, A replaced by C.
Protein change: p.Glu664Ala; replaces glutamic acid 664 with alanine.
Molecular consequence: missense variant. On other transcripts: intron variant (3).
Genome position (GRCh38, 1-based): chr17:1,726,950, A>C. VCF-style: chr17-1726950-A-C. GRCh37 (hg19) VCF-style: chr17-1630244-A-C.
Other names: c.-123-1040A>C (NM_152348.4); c.59-3430A>C (NM_001163673.2); c.-15+2164A>C (NM_001163811.2); short protein forms E664A.
Identifiers: ClinVar variation 452862 (VCV000452862.2), dbSNP rs1555562959, ClinGen allele CA397590348.

ClinVar aggregate classification (germline): Uncertain significance (1 of 4 stars; one submission).

Submission:

GeneDx
Classification: Uncertain significance. Last evaluated: 2017-10-17. Review status: criteria provided, single submitter. Criteria: GeneDx Variant Classification (06012015). Collection method: clinical testing. Allele origin: germline. Affected: yes.
Comment: The E664A variant in the WDR81 gene has not been reported previously as a pathogenic variant, nor as a benign variant, to our knowledge. The E664A variant is not observed in large population cohorts (Lek et al., 2016). The E664A variant is a non-conservative amino acid substitution, which is likely to impact secondary protein structure as these residues differ in polarity, charge, size and/or other properties. This substitution occurs at a position that is conserved across species. In silico analysis is inconsistent in its predictions as to whether or not the variant is damaging to the protein structure/function. We interpret E664A as a variant of uncertain significance.